The following is an entry in ClinVar:

NM_000093.5(COL5A1):c.228A>T (p.Arg76Ser)

Gene: COL5A1 (collagen type V alpha 1 chain; plus strand). Cytogenetic location: 9q34.3.
Variant type: single nucleotide variant.
Coding change: c.228A>T on transcript NM_000093.5 (MANE Select); coding-DNA position 228, A replaced by T.
Protein change: p.Arg76Ser; replaces arginine 76 with serine.
Molecular consequence: missense variant.
Genome position (GRCh38, 1-based): chr9:134,691,030, A>T. VCF-style: chr9-134691030-A-T. GRCh37 (hg19) VCF-style: chr9-137582876-A-T.
Other names: c.228A>T, p.Arg76Ser (NM_001278074.1); short protein forms R76S.
Identifiers: ClinVar variation 4801877 (VCV004801877.1).

ClinVar aggregate classification (germline): Uncertain significance (1 of 4 stars; one submission).

Conditions:
Ehlers-Danlos syndrome, classic type, 1 (EDSCL1). Also called: EHLERS-DANLOS SYNDROME, GRAVIS TYPE; EHLERS-DANLOS SYNDROME, SEVERE CLASSIC TYPE; Ehlers-Danlos syndrome, type 1; Ehlers-Danlos Syndrome, Classic Type, COL5A1-Related; EDS I. Identifiers: MedGen C0268335, MONDO:0019567, OMIM 130000.

Submission:

Labcorp Genetics (formerly Invitae), Labcorp
Classification: Uncertain significance for Ehlers-Danlos syndrome, classic type, 1. Last evaluated: 2026-01-14. Review status: criteria provided, single submitter. Criteria: Invitae Variant Classification Sherloc (09022015). Collection method: clinical testing. Allele origin: germline.
Comment: This sequence change replaces arginine, which is basic and polar, with serine, which is neutral and polar, at codon 76 of the COL5A1 protein (p.Arg76Ser). This variant is not present in population databases (gnomAD no frequency). This variant has not been reported in the literature in individuals affected with COL5A1-related conditions. Invitae Evidence Modeling of protein sequence and biophysical properties (such as structural, functional, and spatial information, amino acid conservation, physicochemical variation, residue mobility, and thermodynamic stability) indicates that this missense variant is not expected to disrupt COL5A1 protein function with a negative predictive value of 95%. In summary, the available evidence is currently insufficient to determine the role of this variant in disease. Therefore, it has been classified as a Variant of Uncertain Significance.